The following is an entry in ClinVar:

NM_001943.5(DSG2):c.2527C>A (p.Gln843Lys)

Genes: DSG2-AS1 (DSG2 antisense RNA 1; minus strand), DSG2 (desmoglein 2; plus strand). Cytogenetic location: 18q12.1.
Variant type: single nucleotide variant.
Coding change: c.2527C>A on transcript NM_001943.5 (MANE Select); coding-DNA position 2527, C replaced by A.
Protein change: p.Gln843Lys; replaces glutamine 843 with lysine.
Molecular consequence: missense variant.
Genome position (GRCh38, 1-based): chr18:31,545,913, C>A. VCF-style: chr18-31545913-C-A. GRCh37 (hg19) VCF-style: chr18-29125876-C-A.
Other names: short protein forms Q843K.
Identifiers: ClinVar variation 4738565 (VCV004738565.1).

ClinVar aggregate classification (germline): Uncertain significance (1 of 4 stars; one submission).

Conditions:
Arrhythmogenic right ventricular dysplasia 10. Also called: Arrhythmogenic Right Ventricular Dysplasia/Cardiomyopathy10; Arrhythmogenic right ventricular dysplasia/cardiomyopathy, type 10; ARRHYTHMOGENIC RIGHT VENTRICULAR DYSPLASIA, FAMILIAL, 10. Identifiers: MedGen C1857777, MONDO:0012434, OMIM 610193.

Submission:

Labcorp Genetics (formerly Invitae), Labcorp
Classification: Uncertain significance for Arrhythmogenic right ventricular dysplasia 10. Last evaluated: 2025-08-16. Review status: criteria provided, single submitter. Criteria: Invitae Variant Classification Sherloc (09022015). Collection method: clinical testing. Allele origin: germline.
Comment: This sequence change replaces glutamine, which is neutral and polar, with lysine, which is basic and polar, at codon 843 of the DSG2 protein (p.Gln843Lys). This variant is not present in population databases (gnomAD no frequency). This variant has not been reported in the literature in individuals affected with DSG2-related conditions. Invitae Evidence Modeling of protein sequence and biophysical properties (such as structural, functional, and spatial information, amino acid conservation, physicochemical variation, residue mobility, and thermodynamic stability) indicates that this missense variant is not expected to disrupt DSG2 protein function with a negative predictive value of 95%. In summary, the available evidence is currently insufficient to determine the role of this variant in disease. Therefore, it has been classified as a Variant of Uncertain Significance.